The following is an entry in ClinVar:

NM_005529.7(HSPG2):c.7956G>A (p.Val2652=)

Gene: HSPG2 (heparan sulfate proteoglycan 2; minus strand). Cytogenetic location: 1p36.12.
Variant type: single nucleotide variant.
Coding change: c.7956G>A on transcript NM_005529.7 (MANE Select); coding-DNA position 7956, G replaced by A.
Protein change: p.Val2652=; no amino-acid change (valine 2652 retained).
Molecular consequence: synonymous variant.
Genome position (GRCh38, 1-based): chr1:21,847,758, C>T on the plus strand (G>A on the coding strand, the complement: HSPG2 is on the minus strand). VCF-style: chr1-21847758-C-T. GRCh37 (hg19) VCF-style: chr1-22174251-C-T.
Other names: c.7959G>A, p.Val2653= (NM_001291860.2).
Identifiers: ClinVar variation 774153 (VCV000774153.16), dbSNP rs145265774, ClinGen allele CA670990.

ClinVar aggregate classification (germline): Conflicting classifications of pathogenicity. Review status: criteria provided, conflicting classifications (1 of 4 stars). 6 submissions from 5 submitters: Uncertain significance (2); Likely benign (4). Last evaluated 2026-07-01.

Conditions:
Lethal Kniest-like syndrome (DDSH). Also called: Dyssegmental Dysplasia. Identifiers: Orphanet 1865, MedGen C1857100, MONDO:0009140, OMIM 224410.
Schwartz-Jampel syndrome. Also called: Myotonic myopathy dwarfism chondrodystrophy and ocular and facial abnormalities. Identifiers: Orphanet 800, MedGen C0036391, MONDO:0009717.

Allele frequency attached by ClinVar (database versions not stated): 1000 Genomes Project 0.00020; 1000 Genomes Project 30x 0.00031; gnomAD exomes 0.00038 and 0.00052; gnomAD 0.00043 and 0.00053; TOPMed 0.00053; ExAC 0.00054; ESP Exome Variant Server 0.00069.
gnomAD v4.1: 845 of 1,613,416 alleles (0.052%); highest among the groups gnomAD compares: Non-Finnish European, 0.064%; 1 homozygote.

Submissions (6):

CeGaT Center for Human Genetics Tuebingen
Classification: Likely benign. Last evaluated: 2026-07-01. Review status: criteria provided, single submitter. Criteria: CeGaT Center For Human Genetics Tuebingen Variant Classification Criteria Version 2. Collection method: clinical testing. Allele origin: germline. Affected: yes. Observed: 1 variant allele.
Comment: HSPG2: BP4, BP7

Labcorp Genetics (formerly Invitae), Labcorp
Classification: Likely benign. Last evaluated: 2026-02-01. Review status: criteria provided, single submitter. Criteria: Invitae Variant Classification Sherloc (09022015). Collection method: clinical testing. Allele origin: germline.

Blueprint Genetics
Classification: Likely benign. Last evaluated: 2024-11-21. Review status: criteria provided, single submitter. Criteria: ACMG Guidelines, 2015. Collection method: clinical testing. Allele origin: germline.

GeneDx
Classification: Likely benign. Last evaluated: 2021-08-30. Review status: criteria provided, single submitter. Criteria: GeneDx Variant Classification Process June 2021. Collection method: clinical testing. Allele origin: germline. Affected: yes.

Illumina Laboratory Services, Illumina
Classification: Uncertain significance for Lethal Kniest-like syndrome. Last evaluated: 2018-01-13. Review status: criteria provided, single submitter. Criteria: ICSL Variant Classification Criteria 13 December 2019. Collection method: clinical testing. Allele origin: germline.

Illumina Laboratory Services, Illumina
Classification: Uncertain significance for Schwartz-Jampel syndrome type 1. Last evaluated: 2018-01-13. Review status: criteria provided, single submitter. Criteria: ICSL Variant Classification Criteria 13 December 2019. Collection method: clinical testing. Allele origin: germline.